The following is an entry in ClinVar:

ClinVar aggregate classification (germline): Pathogenic. Review status: criteria provided, single submitter (1 of 4 stars). 2 submissions from 2 submitters: Pathogenic (1). 1 of the submissions does not count toward it.

Conditions:
Kleefstra syndrome 1 (KLEFS1). Identifiers: Orphanet 261494, MedGen C0795833, MONDO:0027407, OMIM 610253.

Submissions (2):

Laboratory of Genetics, Children's Clinical University Hospital Latvia
Classification: Pathogenic for Kleefstra syndrome 1. Review status: criteria provided, single submitter. Criteria: ACMG Guidelines, 2015. Collection method: curation. Allele origin: germline. Affected: yes.
Comment: Inheritance unknown

GeneReviews
No classification provided. Condition: Kleefstra syndrome 1. Review status: no classification provided. Collection method: literature only. Allele origin: germline. Affected: yes. Not counted in ClinVar's aggregate classification.
Comment: expected to affect splicing

Literature cited by the submitters: PubMed 39013458 (cited by Laboratory of Genetics, Children's Clinical University Hospital Latvia); NCBI Bookshelf NBK47079 (cited by GeneReviews).

NM_024757.5(EHMT1):c.2868-1G>A

Gene: EHMT1 (euchromatic histone lysine methyltransferase 1; plus strand). Cytogenetic location: 9q34.3.
Variant type: single nucleotide variant.
Coding change: c.2868-1G>A on transcript NM_024757.5 (MANE Select); the canonical splice acceptor site of the intron before coding-DNA position 2868, G replaced by A.
Molecular consequence: splice acceptor variant.
Genome position (GRCh38, 1-based): chr9:137,813,005, G>A. VCF-style: chr9-137813005-G-A. GRCh37 (hg19) VCF-style: chr9-140707457-G-A.
Other names: c.2847-1G>A (NM_001354263.2).
Identifiers: ClinVar variation 65733 (VCV000065733.3), dbSNP rs137852722, ClinGen allele CA345058.